The following is an entry in ClinVar:

ClinVar aggregate classification (germline): Benign. Review status: criteria provided, multiple submitters, no conflicts (2 of 4 stars). 2 submissions from 2 submitters: Benign (2). Last evaluated 2018-01-13.

Conditions:
Thyroid hormone resistance, generalized, autosomal dominant (GRTHD). Also called: HYPERTHYROXINEMIA, FAMILIAL EUTHYROID, SECONDARY TO PITUITARY AND PERIPHERAL RESISTANCE TO THYROID HORMONES. Identifiers: MedGen C2937288, MONDO:0008569, OMIM 188570.

Allele frequency attached by ClinVar (database versions not stated): gnomAD exomes 0.20442; gnomAD 0.21961 and 0.22117; TOPMed 0.22512; 1000 Genomes Project 0.25280; 1000 Genomes Project 30x 0.25312.
gnomAD v4.1: 34,010 of 152,960 alleles (22%); highest among the groups gnomAD compares: East Asian, 53%; 4,109 homozygotes.

Submissions (2):

Illumina Laboratory Services, Illumina
Classification: Benign for Thyroid hormone resistance, generalized, autosomal dominant. Last evaluated: 2018-01-13. Review status: criteria provided, single submitter. Criteria: ICSL Variant Classification Criteria 13 December 2019. Collection method: clinical testing. Allele origin: germline.
Comment: This variant was observed in the ICSL laboratory as part of a predisposition screen in an ostensibly healthy population. It had not been previously curated by ICSL or reported in the Human Gene Mutation Database (HGMD: prior to June 1st, 2018), and was therefore a candidate for classification through an automated scoring system. Utilizing variant allele frequency, disease prevalence and penetrance estimates, and inheritance mode, an automated score was calculated to assess if this variant is too frequent to cause the disease. Based on the score and internal cut-off values, a variant classified as benign is not then subjected to further curation. The score for this variant resulted in a classification of benign for this disease.

Breakthrough Genomics
Classification: Benign. Review status: criteria provided, single submitter. Criteria: ACMG Guidelines, 2015. Collection method: not provided. Allele origin: germline. Inheritance: Autosomal recessive inheritance. Affected: yes.

NM_001354712.2(THRB):c.*670A>G

Gene: THRB (thyroid hormone receptor beta; minus strand). Cytogenetic location: 3p24.2.
Variant type: single nucleotide variant.
Coding change: c.*670A>G on transcript NM_001354712.2 (MANE Select); 670 bases downstream of the stop codon, A replaced by G.
Molecular consequence: 3 prime UTR variant.
Genome position (GRCh38, 1-based): chr3:24,122,214, T>C on the plus strand (A>G on the coding strand, the complement: THRB is on the minus strand). VCF-style: chr3-24122214-T-C. GRCh37 (hg19) VCF-style: chr3-24163705-T-C.
Other names: c.*670A>G (NM_000461.5, NM_001128176.3, NM_001128177.2 and 8 more transcripts).
Identifiers: ClinVar variation 344624 (VCV000344624.6), dbSNP rs826372, ClinGen allele CA10616063.